The following is an entry in ClinVar:

NM_020778.5(ALPK3):c.4198del (p.Asp1400fs)

Gene: ALPK3 (alpha kinase 3; plus strand). Cytogenetic location: 15q25.3.
Variant type: Deletion.
Coding change: c.4198del on transcript NM_020778.5 (MANE Select); coding-DNA position 4198, one base deleted (G; older notation c.4198delG).
Protein change: p.Asp1400fs; shifts the reading frame from aspartic acid 1400.
Molecular consequence: frameshift variant.
Genome position (GRCh38, 1-based): chr15:84,862,703, G deleted; the last of 6 consecutive G bases (chr15:84,862,698-84,862,703); deleting any one gives the same sequence. VCF-style (leftmost placement, unchanged base first): chr15-84862697-TG-T. GRCh37 (hg19) VCF-style: chr15-85405928-TG-T.
Other names: short protein forms D1400fs.
Identifiers: ClinVar variation 3355481 (VCV003355481.1).
Genomic context (GRCh38, chr15:84,862,697, plus strand): 5'-GGAGAAGAGATTGAGATGACCCCTATGGTGTTTGCTAAGGGTCTGGCTGACTCTGGCTGC[TG>T]GGGGGACAAGCTCTTTGGGCGACTGGTAAGCGAGGAGCTCCGAGGGGGTGGATATGGGTG-3'

ClinVar aggregate classification (germline): Likely pathogenic (0 of 4 stars; one submission).

Conditions:
ALPK3-related disorder. Also called: ALPK3-related condition.

Submission:

PreventionGenetics, part of Exact Sciences
Classification: Likely pathogenic for ALPK3-related condition. Last evaluated: 2024-05-10. Review status: no assertion criteria provided. Collection method: clinical testing. Allele origin: germline.
Comment: The ALPK3 c.4804delG variant is predicted to result in a frameshift and premature protein termination (p.Asp1602Thrfs*8). To our knowledge, this variant has not been reported in the literature or in a large population database, indicating this variant is rare. Frameshift variants in ALPK3 are expected to be pathogenic. This variant is interpreted as likely pathogenic.